The following is an entry in ClinVar:

NM_003906.5(MCM3AP):c.4002-7C>G

Gene: MCM3AP (minichromosome maintenance complex component 3 associated protein; minus strand). Cytogenetic location: 21q22.3.
Variant type: single nucleotide variant.
Coding change: c.4002-7C>G on transcript NM_003906.5 (MANE Select); 7 bases into the intron before coding-DNA position 4002, C replaced by G.
Molecular consequence: intron variant.
Genome position (GRCh38, 1-based): chr21:46,254,533, G>C on the plus strand (C>G on the coding strand, the complement: MCM3AP is on the minus strand). VCF-style: chr21-46254533-G-C. GRCh37 (hg19) VCF-style: chr21-47674447-G-C.
Identifiers: ClinVar variation 2090128 (VCV002090128.4), dbSNP rs748017675, ClinGen allele CA10076274.

ClinVar aggregate classification (germline): Uncertain significance (1 of 4 stars; one submission).

Allele frequency attached by ClinVar (database versions not stated): TOPMed below 0.00001; gnomAD 0.00001; gnomAD exomes 0.00001; ExAC 0.00002.
gnomAD v4.1: 16 of 1,613,792 alleles (0.00099%); highest among the groups gnomAD compares: South Asian, 0.015%; no homozygotes.

Submission:

Labcorp Genetics (formerly Invitae), Labcorp
Classification: Uncertain significance. Last evaluated: 2022-01-26. Review status: criteria provided, single submitter. Criteria: Invitae Variant Classification Sherloc (09022015). Collection method: clinical testing. Allele origin: germline.
Comment: In summary, the available evidence is currently insufficient to determine the role of this variant in disease. Therefore, it has been classified as a Variant of Uncertain Significance. Algorithms developed to predict the effect of sequence changes on RNA splicing suggest that this variant may disrupt the consensus splice site. This variant has not been reported in the literature in individuals affected with MCM3AP-related conditions. This variant is present in population databases (rs748017675, gnomAD 0.01%). This sequence change falls in intron 18 of the MCM3AP gene. It does not directly change the encoded amino acid sequence of the MCM3AP protein.